The following is an entry in ClinVar:

ClinVar aggregate classification (germline): Conflicting classifications of pathogenicity. Review status: criteria provided, conflicting classifications (1 of 4 stars). 2 submissions from 2 submitters: Uncertain significance (1); Likely benign (1). Last evaluated 2025-12-29.

Allele frequency attached by ClinVar (database versions not stated): ExAC 0.00006; gnomAD exomes 0.00007 and 0.00010; gnomAD 0.00009 and 0.00010; TOPMed 0.00017.
gnomAD v4.1: 55 of 1,614,022 alleles (0.0034%); highest among the groups gnomAD compares: Admixed American, 0.09%; no homozygotes.

Submissions (2):

Labcorp Genetics (formerly Invitae), Labcorp
Classification: Uncertain significance. Last evaluated: 2025-12-29. Review status: criteria provided, single submitter. Criteria: Invitae Variant Classification Sherloc (09022015). Collection method: clinical testing. Allele origin: germline.
Comment: This sequence change affects codon 302 of the SLC7A14 mRNA. It is a 'silent' change, meaning that it does not change the encoded amino acid sequence of the SLC7A14 protein. It affects a nucleotide within the consensus splice site. This variant is present in population databases (rs752436043, gnomAD 0.07%), and has an allele count higher than expected for a pathogenic variant. This variant has not been reported in the literature in individuals affected with SLC7A14-related conditions. ClinVar contains an entry for this variant (Variation ID: 1378896). Variants that disrupt the consensus splice site are a relatively common cause of aberrant splicing (PMID: 17576681, 9536098). Algorithms developed to predict the effect of sequence changes on RNA splicing suggest that this variant is not likely to affect RNA splicing. In summary, the available evidence is currently insufficient to determine the role of this variant in disease. Therefore, it has been classified as a Variant of Uncertain Significance.

Blueprint Genetics
Classification: Likely benign. Last evaluated: 2021-05-07. Review status: criteria provided, single submitter. Criteria: ACMG Guidelines, 2015. Collection method: clinical testing. Allele origin: germline.

Literature cited by the submitters: PubMed 17576681 (cited by Labcorp Genetics (formerly Invitae), Labcorp); PubMed 9536098 (cited by Labcorp Genetics (formerly Invitae), Labcorp).

NM_020949.3(SLC7A14):c.906T>C (p.Ser302=)

Genes: SLC7A14 (solute carrier family 7 member 14; minus strand), SLC7A14-AS1 (SLC7A14 antisense RNA 1; plus strand). Cytogenetic location: 3q26.2.
Variant type: single nucleotide variant.
Coding change: c.906T>C on transcript NM_020949.3 (MANE Select); coding-DNA position 906, T replaced by C.
Protein change: p.Ser302=; no amino-acid change (serine 302 retained).
Molecular consequence: synonymous variant.
Genome position (GRCh38, 1-based): chr3:170,486,222, A>G on the plus strand (T>C on the coding strand, the complement: SLC7A14 is on the minus strand). VCF-style: chr3-170486222-A-G. GRCh37 (hg19) VCF-style: chr3-170204011-A-G.
Identifiers: ClinVar variation 1378896 (VCV001378896.7), dbSNP rs752436043, ClinGen allele CA2701780.